The following is an entry in ClinVar:

NM_015141.4(GPD1L):c.58G>A (p.Val20Ile)

Gene: GPD1L (glycerol-3-phosphate dehydrogenase 1 like; plus strand). Cytogenetic location: 3p22.3.
Variant type: single nucleotide variant.
Coding change: c.58G>A on transcript NM_015141.4 (MANE Select); coding-DNA position 58, G replaced by A.
Protein change: p.Val20Ile; replaces valine 20 with isoleucine.
Molecular consequence: missense variant.
Genome position (GRCh38, 1-based): chr3:32,128,086, G>A. VCF-style: chr3-32128086-G-A. GRCh37 (hg19) VCF-style: chr3-32169578-G-A.
Other names: short protein forms V20I.
Identifiers: ClinVar variation 1750389 (VCV001750389.10), dbSNP rs375426818, ClinGen allele CA2296550.

ClinVar aggregate classification (germline): Uncertain significance. Review status: criteria provided, multiple submitters, no conflicts (2 of 4 stars). 4 submissions from 4 submitters: Uncertain significance (4). Last evaluated 2025-02-11.

Conditions:
Cardiovascular phenotype. Identifiers: MedGen CN230736.
Brugada syndrome. Also called: Sudden Unexplained Death Syndrome; Sudden Unexplained Nocturnal Death Syndrome (SUNDS); Sudden unexpected nocturnal death syndrome; Sudden unexplained nocturnal death syndrome. Identifiers: Orphanet 130, MedGen C1142166, MONDO:0015263.

Allele frequency attached by ClinVar (database versions not stated): gnomAD exomes below 0.00001; ExAC 0.00001; ESP Exome Variant Server 0.00008.
gnomAD v4.1: 2 of 1,611,140 alleles (0.00012%); highest among the groups gnomAD compares: Non-Finnish European, 0.00017%; no homozygotes.

Submissions (4):

GeneDx
Classification: Uncertain significance. Last evaluated: 2025-02-11. Review status: criteria provided, single submitter. Criteria: GeneDx Variant Classification Process June 2021. Collection method: clinical testing. Allele origin: germline. Affected: yes.
Comment: Has not been previously published as pathogenic or benign to our knowledge; Not observed at significant frequency in large population cohorts (gnomAD); In silico analysis indicates that this missense variant does not alter protein structure/function

Women's Health and Genetics/Laboratory Corporation of America, LabCorp
Classification: Uncertain significance. Last evaluated: 2025-02-07. Review status: criteria provided, single submitter. Criteria: LabCorp Variant Classification Summary - May 2015. Collection method: clinical testing. Allele origin: germline.
Comment: Variant summary: GPD1L c.58G>A (p.Val20Ile) results in a conservative amino acid change in the encoded protein sequence. Four of five in-silico tools predict a benign effect of the variant on protein function. The variant was absent in 250790 control chromosomes. The available data on variant occurrences in the general population are insufficient to allow any conclusion about variant significance. To our knowledge, no occurrence of c.58G>A in individuals affected with Brugada Syndrome and no experimental evidence demonstrating its impact on protein function have been reported. ClinVar contains an entry for this variant (Variation ID: 1750389). Based on the evidence outlined above, the variant was classified as uncertain significance.

Ambry Genetics
Classification: Uncertain significance for Cardiovascular phenotype. Last evaluated: 2024-09-08. Review status: criteria provided, single submitter. Criteria: Ambry Variant Classification Scheme 2023. Collection method: clinical testing. Allele origin: germline.
Comment: The p.V20I variant (also known as c.58G>A), located in coding exon 2 of the GPD1L gene, results from a G to A substitution at nucleotide position 58. The valine at codon 20 is replaced by isoleucine, an amino acid with highly similar properties. This amino acid position is not well conserved in available vertebrate species. In addition, this alteration is predicted to be tolerated by in silico analysis. Since supporting evidence is limited at this time, the clinical significance of this alteration remains unclear.

Labcorp Genetics (formerly Invitae), Labcorp
Classification: Uncertain significance for Brugada syndrome. Last evaluated: 2022-04-25. Review status: criteria provided, single submitter. Criteria: Invitae Variant Classification Sherloc (09022015). Collection method: clinical testing. Allele origin: germline.
Comment: This sequence change replaces valine, which is neutral and non-polar, with isoleucine, which is neutral and non-polar, at codon 20 of the GPD1L protein (p.Val20Ile). This variant is present in population databases (rs375426818, gnomAD 0.0009%). This variant has not been reported in the literature in individuals affected with GPD1L-related conditions. Algorithms developed to predict the effect of missense changes on protein structure and function (SIFT, PolyPhen-2, Align-GVGD) all suggest that this variant is likely to be tolerated. In summary, the available evidence is currently insufficient to determine the role of this variant in disease. Therefore, it has been classified as a Variant of Uncertain Significance.